The following is an entry in ClinVar:

ClinVar aggregate classification (germline): Conflicting classifications of pathogenicity. Review status: criteria provided, conflicting classifications (1 of 4 stars). 9 submissions from 8 submitters: Uncertain significance (8); Likely benign (1). Last evaluated 2026-09-27.

Conditions:
Meniere disease. Also called: Ménière's disease. Identifiers: MedGen C0025281, MONDO:0007972, OMIM 156000.
Autosomal dominant nonsyndromic hearing loss 12. Also called: DEAFNESS, AUTOSOMAL DOMINANT 8. Identifiers: Orphanet 90635, MedGen C1832187, MONDO:0011102, OMIM 601543.
Autosomal recessive nonsyndromic hearing loss 21. Identifiers: Orphanet 90636, MedGen C1863655, MONDO:0011351, OMIM 603629.

Allele frequency attached by ClinVar (database versions not stated): ExAC 0.00006; gnomAD exomes 0.00007 and 0.00013; gnomAD 0.00007; TOPMed 0.00013.
gnomAD v4.1: 111 of 1,612,796 alleles (0.0069%); highest among the groups gnomAD compares: Admixed American, 0.037%; no homozygotes.

Submissions (9):

GeneDx
Classification: Uncertain significance. Last evaluated: 2026-09-27. Review status: criteria provided, single submitter. Criteria: GeneDx Variant Classification Process June 2021. Collection method: clinical testing. Allele origin: germline.
Comment: Reported in patients with Meniere disease in published literature; of note, the variant segregated with individuals in multiple families with Meniere disease, episodic vertigo and/or isolated hearing loss (PMID: 35653455, 37865853); In silico analysis suggests that this missense variant does not alter protein structure/function; This variant is associated with the following publications: (PMID: 37022572, 21520338, 9590290, 31554319, 35653455, 37865853, 25356899)

Labcorp Genetics (formerly Invitae), Labcorp
Classification: Likely benign. Last evaluated: 2025-05-01. Review status: criteria provided, single submitter. Criteria: Invitae Variant Classification Sherloc (09022015). Collection method: clinical testing. Allele origin: germline.

Blueprint Genetics
Classification: Uncertain significance. Last evaluated: 2024-10-03. Review status: criteria provided, single submitter. Criteria: ACMG Guidelines, 2015. Collection method: clinical testing. Allele origin: germline.

Otology & Neurotology- Genomics of vestibular disorders (CTS-495), Jose Antonio López Escámez, Centro Pfizer - Universidad de Granada - Junta de Andalucía de Genómica e Investigación Oncológica (GENYO)
Classification: Uncertain significance for Meniere disease. Last evaluated: 2022-01-25. Review status: criteria provided, single submitter. Criteria: ACMG Guidelines, 2015. Collection method: case-control. Allele origin: germline. Affected: yes. Observed: 3 heterozygotes.

Illumina Laboratory Services, Illumina
Classification: Uncertain significance for Autosomal recessive nonsyndromic hearing loss 21. Last evaluated: 2018-01-12. Review status: criteria provided, single submitter. Criteria: ICSL Variant Classification Criteria 13 December 2019. Collection method: clinical testing. Allele origin: germline.

Illumina Laboratory Services, Illumina
Classification: Uncertain significance for Autosomal dominant nonsyndromic hearing loss 12. Last evaluated: 2018-01-12. Review status: criteria provided, single submitter. Criteria: ICSL Variant Classification Criteria 13 December 2019. Collection method: clinical testing. Allele origin: germline.

ARUP Laboratories, Molecular Genetics and Genomics, ARUP Laboratories
Classification: Uncertain significance. Last evaluated: 2017-09-08. Review status: criteria provided, single submitter. Criteria: ARUP Molecular Germline Variant Investigation Process. Collection method: clinical testing. Allele origin: germline.
Comment: The p.Val1494Ala variant (rs200544452) has not been reported in the medical literature or gene specific variation databases but has been reported to ClinVar as a variant of uncertain significance (Variation ID: 180103). This variant is listed in the genome Aggregation Database (gnomAD) with an overall population frequency of 0.01 percent (identified on 36 out of 275,330 chromosomes). The valine at position 1494 is highly conserved, up to Tetraodon (considering 11 species) (Alamut v.2.10.0) and computational analyses of the effects of the p.Val1494Ala variant on protein structure and function provide conflicting results (SIFT: tolerated, MutationTaster: disease causing, PolyPhen-2: probably damaging). Altogether, there is not enough evidence to classify the p.Val1494Ala variant with certainty.

Laboratory for Molecular Medicine, Mass General Brigham Personalized Medicine
Classification: Uncertain significance. Last evaluated: 2014-12-06. Review status: criteria provided, single submitter. Criteria: LMM Criteria. Collection method: clinical testing. Allele origin: germline. Observed: 1 variant allele.
Comment: The p.Val1494Ala variant in TECTA has not been previously reported in individual s with hearing loss, but has been identified in 6/66584 European chromosomes by the Exome Aggregation Consortium (ExAC; dbSNP rs 200544452). Although this variant has been seen in the general population, its f requency is not high enough to rule out a pathogenic role. Computational predict ion tools and conservation analyses suggest that this variant may impact the pro tein, though this information is not predictive enough to determine pathogenicit y. In summary, the clinical significance of p.Val1494Ala variant is uncertain.

Breakthrough Genomics
Classification: Uncertain significance. Review status: criteria provided, single submitter. Criteria: ACMG Guidelines, 2015. Collection method: not provided. Allele origin: germline. Inheritance: Autosomal recessive inheritance. Affected: yes.

NM_005422.4(TECTA):c.4481T>C (p.Val1494Ala)

Genes: TBCEL-TECTA (TBCEL-TECTA readthrough; plus strand), TECTA (tectorin alpha; plus strand). Cytogenetic location: 11q23.3.
Variant type: single nucleotide variant.
Coding change: c.4481T>C on transcript NM_005422.4 (MANE Select); coding-DNA position 4481, T replaced by C.
Protein change: p.Val1494Ala; replaces valine 1494 with alanine.
Molecular consequence: missense variant.
Genome position (GRCh38, 1-based): chr11:121,158,016, T>C. VCF-style: chr11-121158016-T-C. GRCh37 (hg19) VCF-style: chr11-121028725-T-C.
Other names: c.5438T>C, p.Val1813Ala (NM_001378761.1); short protein forms V1494A, V1813A.
Identifiers: ClinVar variation 180103 (VCV000180103.28), dbSNP rs200544452, ClinGen allele CA185821.
Genomic context (GRCh38, chr11:121,158,016, plus strand): 5'-ACGGGGTGCGCGGCTGCTTCAGCACCAAGACCTCCTACTGCCTGGCGGCCGGCGGCGGCG[T>C]CTTCCGCACCTTCGACGGCGCCTTCCTGCGCTTCCCAGCCAACTGCGCCTTCGTGCTGTC-3'
Protein context (NP_005413.2, residues 1484-1504): TSYCLAAGGG[Val1494Ala]FRTFDGAFLR